The following is an entry in ClinVar:

ClinVar aggregate classification (germline): Uncertain significance (1 of 4 stars; one submission).

Conditions:
Episodic kinesigenic dyskinesia (EKD). Also called: Paroxysmal kinesigenic dyskinesia. Identifiers: Orphanet 98809, MedGen C1868682, MONDO:0044202.

Allele frequency attached by ClinVar (database versions not stated): TOPMed 0.00002; gnomAD 0.00003.
gnomAD v4.1: 14 of 1,613,892 alleles (0.00087%); highest among the groups gnomAD compares: African/African-American, 0.0013%; no homozygotes.

Submission:

Labcorp Genetics (formerly Invitae), Labcorp
Classification: Uncertain significance for Episodic kinesigenic dyskinesia. Last evaluated: 2024-01-22. Review status: criteria provided, single submitter. Criteria: Invitae Variant Classification Sherloc (09022015). Collection method: clinical testing. Allele origin: germline.
Comment: This sequence change replaces leucine, which is neutral and non-polar, with isoleucine, which is neutral and non-polar, at codon 38 of the PRRT2 protein (p.Leu38Ile). This variant is not present in population databases (gnomAD no frequency). This variant has not been reported in the literature in individuals affected with PRRT2-related conditions. ClinVar contains an entry for this variant (Variation ID: 1446844). Advanced modeling of protein sequence and biophysical properties (such as structural, functional, and spatial information, amino acid conservation, physicochemical variation, residue mobility, and thermodynamic stability) performed at Invitae indicates that this missense variant is not expected to disrupt PRRT2 protein function with a negative predictive value of 95%. In summary, the available evidence is currently insufficient to determine the role of this variant in disease. Therefore, it has been classified as a Variant of Uncertain Significance.

NM_145239.3(PRRT2):c.112C>A (p.Leu38Ile)

Genes: MVP-DT (MVP divergent transcript; minus strand), PRRT2 (proline rich transmembrane protein 2; plus strand). Cytogenetic location: 16p11.2.
Variant type: single nucleotide variant.
Coding change: c.112C>A on transcript NM_145239.3 (MANE Select); coding-DNA position 112, C replaced by A.
Protein change: p.Leu38Ile; replaces leucine 38 with isoleucine.
Molecular consequence: missense variant.
Genome position (GRCh38, 1-based): chr16:29,813,166, C>A. VCF-style: chr16-29813166-C-A. GRCh37 (hg19) VCF-style: chr16-29824487-C-A.
Other names: c.112C>A, p.Leu38Ile (NM_001256442.2, NM_001256443.2); short protein forms L38I.
Identifiers: ClinVar variation 1446844 (VCV001446844.6), dbSNP rs1208143772, ClinGen allele CA395477327.